The following is an entry in ClinVar:

ClinVar aggregate classification (germline): Uncertain significance (1 of 4 stars; one submission).

Conditions:
Schuurs-Hoeijmakers syndrome. Also called: PACS1-Related Neurodevelopmental Disorder. Identifiers: Orphanet 329224, MedGen C3554343, MONDO:0014006, OMIM 615009.

Submission:

Labcorp Genetics (formerly Invitae), Labcorp
Classification: Uncertain significance for Schuurs-Hoeijmakers syndrome. Last evaluated: 2023-10-20. Review status: criteria provided, single submitter. Criteria: Invitae Variant Classification Sherloc (09022015). Collection method: clinical testing. Allele origin: germline.
Comment: This variant, c.524_526del, results in the deletion of 1 amino acid(s) of the PACS1 protein (p.Phe175del), but otherwise preserves the integrity of the reading frame. This variant is not present in population databases (gnomAD no frequency). This variant has not been reported in the literature in individuals affected with PACS1-related conditions. Experimental studies and prediction algorithms are not available or were not evaluated, and the functional significance of this variant is currently unknown. In summary, the available evidence is currently insufficient to determine the role of this variant in disease. Therefore, it has been classified as a Variant of Uncertain Significance.

NM_018026.4(PACS1):c.524_526del (p.Phe175del)

Gene: PACS1 (phosphofurin acidic cluster sorting protein 1; plus strand). Cytogenetic location: 11q13.2.
Variant type: Deletion.
Coding change: c.524_526del on transcript NM_018026.4 (MANE Select); coding-DNA positions 524 to 526, 3 bases deleted (TCT; older notation c.524_526delTCT).
Protein change: p.Phe175del; deletes phenylalanine 175.
Molecular consequence: inframe deletion.
Genome position (GRCh38, 1-based): chr11:66,210,441-66,210,443, TCT deleted; deleting any 3 consecutive bases within chr11:66,210,439-66,210,443 gives the same sequence; the c. name uses the placement nearest the transcript's 3' end. VCF-style (leftmost placement, unchanged base first): chr11-66210438-CCTT-C. GRCh37 (hg19) VCF-style: chr11-65977909-CCTT-C.
Other names: short protein forms F175del.
Identifiers: ClinVar variation 2769255 (VCV002769255.3), dbSNP rs2495537282, ClinGen allele CA2697548692.